The following is an entry in ClinVar:

NM_001379200.1(TBX1):c.1250C>T (p.Ser417Leu)

Gene: TBX1 (T-box transcription factor 1; plus strand). Cytogenetic location: 22q11.21.
Variant type: single nucleotide variant.
Coding change: c.1250C>T on transcript NM_001379200.1 (MANE Select); coding-DNA position 1250, C replaced by T.
Protein change: p.Ser417Leu; replaces serine 417 with leucine.
Molecular consequence: missense variant. On other transcripts: intron variant (2).
Genome position (GRCh38, 1-based): chr22:19,766,602, C>T. VCF-style: chr22-19766602-C-T. GRCh37 (hg19) VCF-style: chr22-19754125-C-T.
Other names: c.1223C>T, p.Ser408Leu (NM_080647.1); c.1009+600C>T (NM_005992.1, NM_080646.2); short protein forms S408L, S417L.
Identifiers: ClinVar variation 1474781 (VCV001474781.8), dbSNP rs779281442, ClinGen allele CA10102683.
Genomic context (GRCh38, chr22:19,766,602, plus strand): 5'-CGCCCGGAGGCCGGCCCAGTCCCCCGAACCCCGAGCTGCGCCTGGAGGCGCCCGGCGCAT[C>T]GGAGCCGCTGCACCACCACCCCTACAAATATCCGGCCGCCGCCTACGACCACTATCTCGG-3'
Protein context (NP_001366129.1, residues 407-427): PELRLEAPGA[Ser417Leu]EPLHHHPYKY

ClinVar aggregate classification (germline): Uncertain significance (1 of 4 stars; one submission).

Conditions:
DiGeorge syndrome. Also called: Catch22; THIRD AND FOURTH PHARYNGEAL POUCH SYNDROME. Identifiers: Orphanet 567, MedGen C0012236, MONDO:0008564, OMIM 188400.

Allele frequency attached by ClinVar (database versions not stated): TOPMed below 0.00001.
gnomAD v4.1: 6 of 1,504,376 alleles (0.0004%); highest among the groups gnomAD compares: Middle Eastern, 0.021%; no homozygotes.

Submission:

Labcorp Genetics (formerly Invitae), Labcorp
Classification: Uncertain significance for DiGeorge syndrome. Last evaluated: 2025-04-23. Review status: criteria provided, single submitter. Criteria: Invitae Variant Classification Sherloc (09022015). Collection method: clinical testing. Allele origin: germline.
Comment: This sequence change replaces serine, which is neutral and polar, with leucine, which is neutral and non-polar, at codon 408 of the TBX1 protein (p.Ser408Leu). The frequency data for this variant in the population databases is considered unreliable, as metrics indicate poor data quality at this position in the gnomAD database. This variant has not been reported in the literature in individuals affected with TBX1-related conditions. ClinVar contains an entry for this variant (Variation ID: 1474781). An algorithm developed to predict the effect of missense changes on protein structure and function (PolyPhen-2) suggests that this variant is likely to be tolerated. In summary, the available evidence is currently insufficient to determine the role of this variant in disease. Therefore, it has been classified as a Variant of Uncertain Significance.